The following is an entry in ClinVar:

ClinVar aggregate classification (germline): Uncertain significance (1 of 4 stars; one submission).

Allele frequency attached by ClinVar (database versions not stated): TOPMed below 0.00001; gnomAD 0.00001; ESP Exome Variant Server 0.00008.
gnomAD v4.1: 14 of 1,614,100 alleles (0.00087%); highest among the groups gnomAD compares: Non-Finnish European, 0.0011%; no homozygotes.

Submission:

GeneDx
Classification: Uncertain significance. Last evaluated: 2023-10-10. Review status: criteria provided, single submitter. Criteria: GeneDx Variant Classification Process June 2021. Collection method: clinical testing. Allele origin: germline. Affected: yes.
Comment: Identified in a patient reported in the published literature with insulin-dependent diabetes diagnosed in childhood; however, this variant was also present in an unaffected sibling and mother (Lenfant et al., 2017); Not observed at significant frequency in large population cohorts (gnomAD); In silico analysis supports that this missense variant does not alter protein structure/function; This variant is associated with the following publications: (PMID: 30335004, 37165203, 29112131)

NM_000352.6(ABCC8):c.2474G>A (p.Arg825Gln)

Genes: ABCC8 (ATP binding cassette subfamily C member 8; minus strand), LOC110121471 (VISTA enhancer hs1977; plus strand). Cytogenetic location: 11p15.1.
Variant type: single nucleotide variant.
Coding change: c.2474G>A on transcript NM_000352.6 (MANE Select); coding-DNA position 2474, G replaced by A.
Protein change: p.Arg825Gln; replaces arginine 825 with glutamine.
Molecular consequence: missense variant. On other transcripts: non-coding transcript variant (1).
Genome position (GRCh38, 1-based): chr11:17,413,395, C>T on the plus strand (G>A on the coding strand, the complement: ABCC8 is on the minus strand). VCF-style: chr11-17413395-C-T. GRCh37 (hg19) VCF-style: chr11-17434942-C-T.
Other names: c.2477G>A, p.Arg826Gln (NM_001287174.3); c.2540G>A, p.Arg847Gln (NM_001351295.2); c.2474G>A, p.Arg825Gln (NM_001351296.2); c.2471G>A, p.Arg824Gln (NM_001351297.2); short protein forms R824Q, R825Q, R826Q, R847Q.
Identifiers: ClinVar variation 3253423 (VCV003253423.1), dbSNP rs375172221.